The following is an entry in ClinVar:

NM_002048.3(GAS1):c.782T>C (p.Leu261Pro)

Gene: GAS1 (growth arrest specific 1; minus strand). Cytogenetic location: 9q21.33.
Variant type: single nucleotide variant.
Coding change: c.782T>C on transcript NM_002048.3 (MANE Select); coding-DNA position 782, T replaced by C.
Protein change: p.Leu261Pro; replaces leucine 261 with proline.
Molecular consequence: missense variant.
Genome position (GRCh38, 1-based): chr9:86,945,998, A>G on the plus strand (T>C on the coding strand, the complement: GAS1 is on the minus strand). VCF-style: chr9-86945998-A-G. GRCh37 (hg19) VCF-style: chr9-89560913-A-G.
Other names: short protein forms L261P.
Identifiers: ClinVar variation 1993353 (VCV001993353.4), dbSNP rs2489904047, ClinGen allele CA374015419.
Genomic context (GRCh38, chr9:86,945,998, plus strand): 5'-TCACCACCCGCGCCCCCGGTGCGCTGCTCGTCATCGTAGTCCTCATCGTAGTAGTCGTCC[A>G]GGCCCCCGTCCGAGCCGCTGCTGCCGGGGCCGTTGCCCAGCTCGGCGCCGAAGCACAGGC-3'
Protein context (NP_002039.2, residues 251-271): GPGSSGSDGG[Leu261Pro]DDYYDEDYDD

ClinVar aggregate classification (germline): Uncertain significance (1 of 4 stars; one submission).

Submission:

Labcorp Genetics (formerly Invitae), Labcorp
Classification: Uncertain significance. Last evaluated: 2022-05-12. Review status: criteria provided, single submitter. Criteria: Invitae Variant Classification Sherloc (09022015). Collection method: clinical testing. Allele origin: germline.
Comment: In summary, the available evidence is currently insufficient to determine the role of this variant in disease. Therefore, it has been classified as a Variant of Uncertain Significance. This sequence change replaces leucine, which is neutral and non-polar, with proline, which is neutral and non-polar, at codon 261 of the GAS1 protein (p.Leu261Pro). This variant is not present in population databases (gnomAD no frequency). This variant has not been reported in the literature in individuals affected with GAS1-related conditions. Algorithms developed to predict the effect of missense changes on protein structure and function are either unavailable or do not agree on the potential impact of this missense change (SIFT: "Deleterious"; PolyPhen-2: "Possibly Damaging"; Align-GVGD: "Class C0").